The following is an entry in ClinVar:

NM_001166108.2(PALLD):c.1329T>A (p.Phe443Leu)

Gene: PALLD (palladin, cytoskeletal associated protein; plus strand). Cytogenetic location: 4q32.3.
Variant type: single nucleotide variant.
Coding change: c.1329T>A on transcript NM_001166108.2 (MANE Select); coding-DNA position 1329, T replaced by A.
Protein change: p.Phe443Leu; replaces phenylalanine 443 with leucine.
Molecular consequence: missense variant.
Genome position (GRCh38, 1-based): chr4:168,685,553, T>A. VCF-style: chr4-168685553-T-A. GRCh37 (hg19) VCF-style: chr4-169606704-T-A.
Other names: c.183T>A, p.Phe61Leu (NM_001166109.2); c.1329T>A, p.Phe443Leu (NM_016081.4); short protein forms F443L, F61L.
Identifiers: ClinVar variation 2497010 (VCV002497010.2), dbSNP rs1781947426, ClinGen allele CA358794518.

ClinVar aggregate classification (germline): Uncertain significance (1 of 4 stars; one submission).

Allele frequency attached by ClinVar (database versions not stated): TOPMed below 0.00001; gnomAD 0.00001.
gnomAD v4.1: 1 of 1,605,676 alleles (0.000062%); highest among the groups gnomAD compares: Non-Finnish European, 0.000085%; no homozygotes.

Submission:

Ambry Genetics
Classification: Uncertain significance. Last evaluated: 2023-01-31. Review status: criteria provided, single submitter. Criteria: Ambry Variant Classification Scheme 2023. Collection method: clinical testing. Allele origin: germline.
Comment: The p.F443L variant (also known as c.1329T>A), located in coding exon 5 of the PALLD gene, results from a T to A substitution at nucleotide position 1329. The phenylalanine at codon 443 is replaced by leucine, an amino acid with highly similar properties. This amino acid position is conserved. In addition, this alteration is predicted to be deleterious by in silico analysis. Since supporting evidence is limited at this time, the clinical significance of this alteration remains unclear.